The following is an entry in ClinVar:

NM_000170.3(GLDC):c.2114T>A (p.Val705Glu)

Gene: GLDC (glycine decarboxylase; minus strand). Cytogenetic location: 9p24.1.
Variant type: single nucleotide variant.
Coding change: c.2114T>A on transcript NM_000170.3 (MANE Select); coding-DNA position 2114, T replaced by A.
Protein change: p.Val705Glu; replaces valine 705 with glutamic acid.
Molecular consequence: missense variant.
Genome position (GRCh38, 1-based): chr9:6,556,241, A>T on the plus strand (T>A on the coding strand, the complement: GLDC is on the minus strand). VCF-style: chr9-6556241-A-T. GRCh37 (hg19) VCF-style: chr9-6556241-A-T.
Other names: short protein forms V705E.
Identifiers: ClinVar variation 1464904 (VCV001464904.5), dbSNP rs753301368, ClinGen allele CA4980385.

ClinVar aggregate classification (germline): Uncertain significance (1 of 4 stars; one submission).

Conditions:
Glycine encephalopathy. Also called: Non-ketotic hyperglycinemia; Nonketotic hyperglycinemia. Identifiers: Orphanet 407, MedGen C0751748, MONDO:0011612, HP:0008288.

Allele frequency attached by ClinVar (database versions not stated): ExAC 0.00001; gnomAD 0.00001; TOPMed 0.00001.
gnomAD v4.1: 2 of 1,611,012 alleles (0.00012%); highest among the groups gnomAD compares: Non-Finnish European, 0.00017%; no homozygotes.

Submission:

Labcorp Genetics (formerly Invitae), Labcorp
Classification: Uncertain significance for Glycine encephalopathy. Last evaluated: 2022-03-30. Review status: criteria provided, single submitter. Criteria: Invitae Variant Classification Sherloc (09022015). Collection method: clinical testing. Allele origin: germline.
Comment: This sequence change replaces valine, which is neutral and non-polar, with glutamic acid, which is acidic and polar, at codon 705 of the GLDC protein (p.Val705Glu). This variant is present in population databases (rs753301368, gnomAD 0.002%). This variant has not been reported in the literature in individuals affected with GLDC-related conditions. Advanced modeling of protein sequence and biophysical properties (such as structural, functional, and spatial information, amino acid conservation, physicochemical variation, residue mobility, and thermodynamic stability) performed at Invitae indicates that this missense variant is expected to disrupt GLDC protein function. In summary, the available evidence is currently insufficient to determine the role of this variant in disease. Therefore, it has been classified as a Variant of Uncertain Significance.